The following is an entry in ClinVar:

ClinVar aggregate classification (germline): Uncertain significance (1 of 4 stars; one submission).

Submission:

Labcorp Genetics (formerly Invitae), Labcorp
Classification: Uncertain significance. Last evaluated: 2022-09-02. Review status: criteria provided, single submitter. Criteria: Invitae Variant Classification Sherloc (09022015). Collection method: clinical testing. Allele origin: germline.
Comment: This sequence change replaces asparagine, which is neutral and polar, with tyrosine, which is neutral and polar, at codon 310 of the SLC6A19 protein (p.Asn310Tyr). This variant is not present in population databases (gnomAD no frequency). This variant has not been reported in the literature in individuals affected with SLC6A19-related conditions. Algorithms developed to predict the effect of missense changes on protein structure and function (SIFT, PolyPhen-2, Align-GVGD) all suggest that this variant is likely to be disruptive. In summary, the available evidence is currently insufficient to determine the role of this variant in disease. Therefore, it has been classified as a Variant of Uncertain Significance.

NM_001003841.3(SLC6A19):c.928A>T (p.Asn310Tyr)

Gene: SLC6A19 (solute carrier family 6 member 19; plus strand). Cytogenetic location: 5p15.33.
Variant type: single nucleotide variant.
Coding change: c.928A>T on transcript NM_001003841.3 (MANE Select); coding-DNA position 928, A replaced by T.
Protein change: p.Asn310Tyr; replaces asparagine 310 with tyrosine.
Molecular consequence: missense variant.
Genome position (GRCh38, 1-based): chr5:1,216,598, A>T. VCF-style: chr5-1216598-A-T. GRCh37 (hg19) VCF-style: chr5-1216713-A-T.
Other names: short protein forms N310Y.
Identifiers: ClinVar variation 1718702 (VCV001718702.3), dbSNP rs2477949924, ClinGen allele CA359070523.